The following is an entry in ClinVar:

ClinVar aggregate classification (germline): Likely pathogenic (1 of 4 stars; one submission).

Submission:

Labcorp Genetics (formerly Invitae), Labcorp
Classification: Likely pathogenic. Last evaluated: 2018-05-23. Review status: criteria provided, single submitter. Criteria: Invitae Variant Classification Sherloc (09022015). Collection method: clinical testing. Allele origin: germline.
Comment: This sequence change results in a premature translational stop signal in the TOPORS gene (p.Asn695Metfs*92). While this is not anticipated to result in nonsense mediated decay, it is expected to delete the last 258 amino acids of the TOPORS protein. This variant is not present in population databases (ExAC no frequency). This variant has not been reported in the literature in individuals with TOPORS-related disease. Other truncations (p.Arg847*, p.Glu808X, and p.Arg857GlyfsX9) that lie downstream of this variant have been reported in individuals affected with retinitis pigmentosa¬†(PMID: 28453362,18509552). In summary, the currently available evidence indicates that the variant is pathogenic, but additional data are needed to prove that conclusively. Therefore, this variant has been classified as Likely Pathogenic.

Literature cited by the submitters: PubMed 28453362; PubMed 18509552.

NM_005802.5(TOPORS):c.2084_2087del (p.Asn695fs)

Gene: TOPORS (TOP1 binding arginine/serine rich protein, E3 ubiquitin ligase; minus strand). Cytogenetic location: 9p21.1.
Variant type: Deletion.
Coding change: c.2084_2087del on transcript NM_005802.5 (MANE Select); coding-DNA positions 2084 to 2087, 4 bases deleted (ATTA; older notation c.2084_2087delATTA).
Protein change: p.Asn695fs; shifts the reading frame from asparagine 695.
Molecular consequence: frameshift variant.
Genome position (GRCh38, 1-based): chr9:32,542,438-32,542,441, TAAT deleted on the plus strand (ATTA on the coding strand, the reverse complement: TOPORS is on the minus strand); deleting any 4 consecutive bases within chr9:32,542,438-32,542,443 gives the same sequence; the c. name uses the placement nearest the transcript's 3' end. VCF-style (leftmost placement, unchanged base first): chr9-32542437-ATAAT-A. GRCh37 (hg19) VCF-style: chr9-32542435-ATAAT-A.
Other names: c.1889_1892del, p.Asn630fs (NM_001195622.2); short protein forms N630fs, N695fs.
Identifiers: ClinVar variation 1066459 (VCV001066459.7), dbSNP rs2118966321, ClinGen allele CA2499219838.